The following is an entry in ClinVar:

ClinVar aggregate classification (germline): Uncertain significance (1 of 4 stars; one submission).

Conditions:
Progressive sclerosing poliodystrophy (MTDPS4A). Also called: Mitochondrial DNA depletion syndrome 4A (Alpers type); ALPERS PROGRESSIVE INFANTILE POLIODYSTROPHY; NEURONAL DEGENERATION OF CHILDHOOD WITH LIVER DISEASE, PROGRESSIVE; Alpers Syndrome; ALPERS DIFFUSE DEGENERATION OF CEREBRAL GRAY MATTER WITH HEPATIC CIRRHOSIS; Alpers-Huttenlocher Syndrome. Identifiers: Orphanet 726, MedGen C0205710, MONDO:0008758, OMIM 203700.

Allele frequency attached by ClinVar (database versions not stated): TOPMed below 0.00001.

Submission:

Labcorp Genetics (formerly Invitae), Labcorp
Classification: Uncertain significance for Progressive sclerosing poliodystrophy. Last evaluated: 2025-07-18. Review status: criteria provided, single submitter. Criteria: Invitae Variant Classification Sherloc (09022015). Collection method: clinical testing. Allele origin: germline.
Comment: This sequence change falls in intron 5 of the POLG gene. It does not directly change the encoded amino acid sequence of the POLG protein. It affects a nucleotide within the consensus splice site. This variant is not present in population databases (gnomAD no frequency). This variant has not been reported in the literature in individuals affected with POLG-related conditions. ClinVar contains an entry for this variant (Variation ID: 2192597). Variants that disrupt the consensus splice site are a relatively common cause of aberrant splicing (PMID: 17576681, 9536098). Algorithms developed to predict the effect of sequence changes on RNA splicing suggest that this variant is not likely to affect RNA splicing. In summary, the available evidence is currently insufficient to determine the role of this variant in disease. Therefore, it has been classified as a Variant of Uncertain Significance.

Literature cited by the submitters: PubMed 17576681; PubMed 9536098.

NM_002693.3(POLG):c.1170+6G>T

Gene: POLG (DNA polymerase gamma, catalytic subunit; minus strand). Cytogenetic location: 15q26.1.
Variant type: single nucleotide variant.
Coding change: c.1170+6G>T on transcript NM_002693.3 (MANE Select); 6 bases into the intron after coding-DNA position 1170, G replaced by T.
Molecular consequence: intron variant.
Genome position (GRCh38, 1-based): chr15:89,328,679, C>A on the plus strand (G>T on the coding strand, the complement: POLG is on the minus strand). VCF-style: chr15-89328679-C-A. GRCh37 (hg19) VCF-style: chr15-89871910-C-A.
Other names: c.1170+6G>T (NM_001126131.2).
Identifiers: ClinVar variation 2192597 (VCV002192597.2), dbSNP rs749250690, ClinGen allele CA7724943.